The following is an entry in ClinVar:

ClinVar aggregate classification (germline): Uncertain significance. Review status: criteria provided, multiple submitters, no conflicts (2 of 4 stars). 2 submissions from 2 submitters: Uncertain significance (2). Last evaluated 2026-06-20.

Conditions:
DSCAML1-related disorder. Also called: DSCAML1-related condition.

Allele frequency attached by ClinVar (database versions not stated): gnomAD exomes 0.00004 and 0.00010; ExAC 0.00007; 1000 Genomes Project 30x 0.00016; 1000 Genomes Project 0.00020; ESP Exome Variant Server 0.00023; gnomAD 0.00023 and 0.00024; TOPMed 0.00024.
gnomAD v4.1: 93 of 1,613,706 alleles (0.0058%); highest among the groups gnomAD compares: African/African-American, 0.064%; no homozygotes.

Submissions (2):

PreventionGenetics, part of Exact Sciences
Classification: Uncertain significance for DSCAML1-related condition. Last evaluated: 2026-06-20. Review status: criteria provided, single submitter. Criteria: ACMG Guidelines, 2015. Collection method: clinical testing. Allele origin: germline.
Comment: The DSCAML1 c.3469G>A variant is predicted to result in the amino acid substitution p.Val1157Ile. To our knowledge, this variant has not been reported in the literature. This variant is present in 0.052% of alleles in individuals of African descent in gnomAD, which may be too common to be a primary cause of disease. Although we suspect that this variant may be benign, at this time, the clinical significance of this variant is uncertain due to the absence of conclusive functional and genetic evidence.

Labcorp Genetics (formerly Invitae), Labcorp
Classification: Uncertain significance. Last evaluated: 2025-09-12. Review status: criteria provided, single submitter. Criteria: Invitae Variant Classification Sherloc (09022015). Collection method: clinical testing. Allele origin: germline.
Comment: This sequence change replaces valine, which is neutral and non-polar, with isoleucine, which is neutral and non-polar, at codon 1157 of the DSCAML1 protein (p.Val1157Ile). This variant is present in population databases (rs142275732, gnomAD 0.05%). This variant has not been reported in the literature in individuals affected with DSCAML1-related conditions. ClinVar contains an entry for this variant (Variation ID: 1448907). An algorithm developed to predict the effect of missense changes on protein structure and function (PolyPhen-2) suggests that this variant is likely to be disruptive. In summary, the available evidence is currently insufficient to determine the role of this variant in disease. Therefore, it has been classified as a Variant of Uncertain Significance.

NM_020693.4(DSCAML1):c.3289G>A (p.Val1097Ile)

Gene: DSCAML1 (DS cell adhesion molecule like 1; minus strand). Cytogenetic location: 11q23.3.
Variant type: single nucleotide variant.
Coding change: c.3289G>A on transcript NM_020693.4 (MANE Select); coding-DNA position 3289, G replaced by A.
Protein change: p.Val1097Ile; replaces valine 1097 with isoleucine.
Molecular consequence: missense variant.
Genome position (GRCh38, 1-based): chr11:117,461,573, C>T on the plus strand (G>A on the coding strand, the complement: DSCAML1 is on the minus strand). VCF-style: chr11-117461573-C-T. GRCh37 (hg19) VCF-style: chr11-117332289-C-T.
Other names: c.3469G>A (NM_020693.3); short protein forms V1097I.
Identifiers: ClinVar variation 1448907 (VCV001448907.7), dbSNP rs142275732, ClinGen allele CA6296736.